The following is an entry in ClinVar:

NM_001033855.3(DCLRE1C):c.306+2T>C

Gene: DCLRE1C (DNA cross-link repair 1C; minus strand). Cytogenetic location: 10p13.
Variant type: single nucleotide variant.
Coding change: c.306+2T>C on transcript NM_001033855.3 (MANE Select); the canonical splice donor site of the intron after coding-DNA position 306, T replaced by C.
Molecular consequence: splice donor variant.
Genome position (GRCh38, 1-based): chr10:14,939,808, A>G on the plus strand (T>C on the coding strand, the complement: DCLRE1C is on the minus strand). VCF-style: chr10-14939808-A-G. GRCh37 (hg19) VCF-style: chr10-14981807-A-G.
Other names: c.17+2T>C (NM_001350966.2, NM_001289078.2, NM_001289076.2 and 1 more transcripts); c.306+2T>C (NM_001350965.2); c.-55+2T>C (NM_001350967.2, NM_001289077.2, NM_001289079.2 and 2 more transcripts).
Identifiers: ClinVar variation 2000965 (VCV002000965.10), dbSNP rs2131026813, ClinGen allele CA376062126.

ClinVar aggregate classification (germline): Likely pathogenic. Review status: criteria provided, multiple submitters, no conflicts (2 of 4 stars). 2 submissions from 2 submitters: Likely pathogenic (2). Last evaluated 2025-10-01.

Conditions:
Severe combined immunodeficiency due to DCLRE1C deficiency (RS-SCID). Also called: SCID, AUTOSOMAL RECESSIVE, T CELL-NEGATIVE, B CELL-NEGATIVE, NK CELL-POSITIVE, WITH SENSITIVITY TO IONIZING RADIATION. Identifiers: Orphanet 275, MedGen C1865371, MONDO:0011225, OMIM 602450.

Submissions (2):

CeGaT Center for Human Genetics Tuebingen
Classification: Likely pathogenic. Last evaluated: 2025-10-01. Review status: criteria provided, single submitter. Criteria: CeGaT Center For Human Genetics Tuebingen Variant Classification Criteria Version 2. Collection method: clinical testing. Allele origin: germline. Affected: yes. Observed: 1 variant allele.
Comment: DCLRE1C: PVS1:Strong, PM2, PM3:Supporting

Labcorp Genetics (formerly Invitae), Labcorp
Classification: Likely pathogenic for Athabaskan severe combined immunodeficiency. Last evaluated: 2022-05-30. Review status: criteria provided, single submitter. Criteria: Invitae Variant Classification Sherloc (09022015). Collection method: clinical testing. Allele origin: germline.
Comment: This sequence change affects a donor splice site in intron 4 of the DCLRE1C gene. It is expected to disrupt RNA splicing. Variants that disrupt the donor or acceptor splice site typically lead to a loss of protein function (PMID: 16199547), and loss-of-function variants in DCLRE1C are known to be pathogenic (PMID: 21664875, 26123418). This variant is not present in population databases (gnomAD no frequency). This variant has not been reported in the literature in individuals affected with DCLRE1C-related conditions. Algorithms developed to predict the effect of sequence changes on RNA splicing suggest that this variant may disrupt the consensus splice site. In summary, the currently available evidence indicates that the variant is pathogenic, but additional data are needed to prove that conclusively. Therefore, this variant has been classified as Likely Pathogenic.

Literature cited by the submitters: PubMed 16199547 (cited by Labcorp Genetics (formerly Invitae), Labcorp); PubMed 21664875 (cited by Labcorp Genetics (formerly Invitae), Labcorp); PubMed 26123418 (cited by Labcorp Genetics (formerly Invitae), Labcorp).